The following is an entry in ClinVar:

ClinVar aggregate classification (germline): Pathogenic. Review status: criteria provided, multiple submitters, no conflicts (2 of 4 stars). 2 submissions from 2 submitters: Pathogenic (2). Last evaluated 2025-05-06.

Conditions:
Hereditary cancer-predisposing syndrome. Also called: Tumor predisposition; Hereditary neoplastic syndrome; Neoplastic Syndromes, Hereditary; Hereditary Cancer Syndrome. Identifiers: Orphanet 140162, MedGen C0027672, MeSH D009386, MONDO:0015356.
Familial cancer of breast. Also called: Hereditary breast cancer; BREAST CANCER, FAMILIAL; hereditary breast carcinoma. Identifiers: Orphanet 227535, MedGen C0346153, MONDO:0016419, OMIM 114480. Disease mechanism: loss of function.

Submissions (2):

Ambry Genetics
Classification: Pathogenic for Hereditary cancer-predisposing syndrome. Last evaluated: 2025-05-06. Review status: criteria provided, single submitter. Criteria: Ambry Variant Classification Scheme 2023. Collection method: clinical testing. Allele origin: germline.
Comment: The c.2072delG pathogenic mutation, located in coding exon 5 of the PALB2 gene, results from a deletion of one nucleotide at nucleotide position 2072, causing a translational frameshift with a predicted alternate stop codon (p.S691Tfs*18). This variant is considered to be rare based on population cohorts in the Genome Aggregation Database (gnomAD). This alteration is expected to result in loss of function by premature protein truncation or nonsense-mediated mRNA decay. As such, this alteration is interpreted as a disease-causing mutation.

Myriad Genetics, Inc.
Classification: Pathogenic for Familial cancer of breast. Last evaluated: 2023-09-12. Review status: criteria provided, single submitter. Criteria: Myriad Autosomal Dominant, Autosomal Recessive and X-Linked Classification Criteria (2023). Collection method: clinical testing. Allele origin: unknown.
Comment: This variant is considered pathogenic. This variant creates a frameshift predicted to result in premature protein truncation.

NM_024675.4(PALB2):c.2072del (p.Ser691fs)

Gene: PALB2 (partner and localizer of BRCA2; minus strand). Cytogenetic location: 16p12.2.
Variant type: Deletion.
Coding change: c.2072del on transcript NM_024675.4 (MANE Select); coding-DNA position 2072, one base deleted (G; older notation c.2072delG).
Protein change: p.Ser691fs; shifts the reading frame from serine 691.
Molecular consequence: frameshift variant. On other transcripts: intron variant (1).
Genome position (GRCh38, 1-based): chr16:23,630,082, C deleted on the plus strand (G on the coding strand, the reverse complement: PALB2 is on the minus strand). VCF-style (leftmost placement, unchanged base first): chr16-23630081-GC-G. GRCh37 (hg19) VCF-style: chr16-23641402-GC-G.
Other names: c.2012del, p.Ser671fs (NM_001407296.1); c.2072del, p.Ser691fs (NM_001407297.1, NM_001407298.1, NM_001407299.1 and 3 more transcripts); c.1187del, p.Ser396fs (NM_001407304.1, NM_001407305.1, NM_001407306.1 and 5 more transcripts); c.284del, p.Ser95fs (NM_001407312.1, NM_001407313.1); c.49-807del (NM_001407314.1); short protein forms S396fs, S671fs, S691fs, S95fs.
Identifiers: ClinVar variation 2674121 (VCV002674121.2), dbSNP rs2506423965, ClinGen allele CA2695197503.
Genomic context (GRCh38, chr16:23,630,081, plus strand): 5'-AACCGTATTTAAAGGAGTATAAAGTAATATGGATGAAGAAAGGCCCGTCTTTGTATGCTG[GC>G]TTTGCGAGTTTGGCCTTTTGGGATGTGATTTTCCTGGTAGAACAATAAGGTCCTCTTCTA-3'